The following is an entry in ClinVar:

ClinVar aggregate classification (germline): Uncertain significance. Review status: criteria provided, multiple submitters, no conflicts (2 of 4 stars). 2 submissions from 2 submitters: Uncertain significance (2). Last evaluated 2025-12-09.

Conditions:
Nemaline myopathy 2 (NEM2). Also called: Nemaline myopathy 2, autosomal recessive. Identifiers: MedGen C1850569, MONDO:0009725, OMIM 256030.

Allele frequency attached by ClinVar (database versions not stated): TOPMed 0.00018; gnomAD 0.00020; gnomAD exomes 0.00020; ExAC 0.00021; ESP Exome Variant Server 0.00033; 1000 Genomes Project 0.00060; 1000 Genomes Project 30x 0.00062.
gnomAD v4.1: 171 of 1,609,996 alleles (0.011%); highest among the groups gnomAD compares: East Asian, 0.076%; no homozygotes.

Submissions (2):

Women's Health and Genetics/Laboratory Corporation of America, LabCorp
Classification: Uncertain significance. Last evaluated: 2025-12-09. Review status: criteria provided, single submitter. Criteria: LabCorp Variant Classification Summary - May 2015. Collection method: clinical testing. Allele origin: germline.
Comment: Variant summary: NEB c.1569C>T (p.Asp523Asp) alters a nucleotide located close to a canonical splice site and therefore could affect mRNA splicing, leading to a significantly altered protein sequence. Consensus agreement among computation tools predict no significant impact on normal splicing. However, these predictions have yet to be confirmed by functional studies. The variant allele was found at a frequency of 0.0002 in 249134 control chromosomes. This frequency is not significantly higher than estimated for disease-causing variants in NEB, allowing no conclusion about variant significance. To our knowledge, no occurrence of c.1569C>T in individuals affected with NEB-related conditions and no experimental evidence demonstrating its impact on protein function have been reported. ClinVar contains an entry for this variant (Variation ID: 534081). Based on the evidence outlined above, the variant was classified as uncertain significance.

Labcorp Genetics (formerly Invitae), Labcorp
Classification: Uncertain significance for Nemaline myopathy 2. Last evaluated: 2022-10-24. Review status: criteria provided, single submitter. Criteria: Invitae Variant Classification Sherloc (09022015). Collection method: clinical testing. Allele origin: germline.
Comment: This sequence change affects codon 523 of the NEB mRNA. It is a 'silent' change, meaning that it does not change the encoded amino acid sequence of the NEB protein. It affects a nucleotide within the consensus splice site. This variant is present in population databases (rs200758495, gnomAD 0.1%). This variant has not been reported in the literature in individuals affected with NEB-related conditions. ClinVar contains an entry for this variant (Variation ID: 534081). Algorithms developed to predict the effect of sequence changes on RNA splicing suggest that this variant is not likely to affect RNA splicing. In summary, the available evidence is currently insufficient to determine the role of this variant in disease. Therefore, it has been classified as a Variant of Uncertain Significance.

NM_001164508.2(NEB):c.1569C>T (p.Asp523=)

Gene: NEB (nebulin; minus strand). Cytogenetic location: 2q23.3.
Variant type: single nucleotide variant.
Coding change: c.1569C>T on transcript NM_001164508.2 (MANE Select); coding-DNA position 1569, C replaced by T.
Protein change: p.Asp523=; no amino-acid change (aspartic acid 523 retained).
Molecular consequence: synonymous variant.
Genome position (GRCh38, 1-based): chr2:151,696,637, G>A on the plus strand (C>T on the coding strand, the complement: NEB is on the minus strand). VCF-style: chr2-151696637-G-A. GRCh37 (hg19) VCF-style: chr2-152553151-G-A.
Other names: c.1569C>T, p.Asp523= (NM_001164507.2, NM_001271208.2, NM_004543.5).
Identifiers: ClinVar variation 534081 (VCV000534081.5), dbSNP rs200758495, ClinGen allele CA1911535.
Genomic context (GRCh38, chr2:151,696,637, plus strand): 5'-ATAGAGTTATGAAATGTTATCCCTCATAATTGGGTGTCCTGAGTAGTTAGAGGAACTTAC[G>A]TCACTCAGTTGTTTGGAATTGACTTGGGCTTGTAGCAGAACAGGAGAGTCTGTAACTTGG-3'
Protein context (NP_001157980.2, residues 513-533): QAQVNSKQLS[Asp523=]LNYKAKHESE